The following is an entry in ClinVar:

Conditions:
Long QT syndrome 5 (LQT5). Identifiers: Orphanet 101016, Orphanet 768, MedGen C1867904, MONDO:0013372, OMIM 613695.

Submission:

Roden Lab, Vanderbilt University Medical Center
No classification provided (evidence only). Condition: Long QT syndrome 5. Review status: no classification provided. Collection method: in vitro. Allele origin: not applicable. Functional consequence: Effect on ion channel function.
ClinVar note: "not provided" was previously submitted as the classification for the variant. However, the classification appeared to be based only on an observation of functional data so it was converted to no classification on 2025-07-30.

NM_000219.6(KCNE1):c.179G>C (p.Gly60Ala)

Gene: KCNE1 (potassium voltage-gated channel subfamily E regulatory subunit 1; minus strand). Cytogenetic location: 21q22.12.
Variant type: single nucleotide variant.
Coding change: c.179G>C on transcript NM_000219.6 (MANE Select); coding-DNA position 179, G replaced by C.
Protein change: p.Gly60Ala; replaces glycine 60 with alanine.
Molecular consequence: missense variant.
Genome position (GRCh38, 1-based): chr21:34,449,456, C>G on the plus strand (G>C on the coding strand, the complement: KCNE1 is on the minus strand). VCF-style: chr21-34449456-C-G. GRCh37 (hg19) VCF-style: chr21-35821754-C-G.
Other names: c.179G>C, p.Gly60Ala (NM_001127668.4, NM_001127669.4, NM_001127670.4 and 4 more transcripts); short protein forms G60A.
Identifiers: ClinVar variation 3374256 (VCV003374256.2).